The following is an entry in ClinVar:

ClinVar aggregate classification (germline): Uncertain significance. Review status: criteria provided, multiple submitters, no conflicts (2 of 4 stars). 6 submissions from 6 submitters: Uncertain significance (4). 2 of the submissions do not count toward it. Last evaluated 2025-12-20.

Conditions:
Bronchiectasis with or without elevated sweat chloride 2 (BESC2). Identifiers: Orphanet 60033, MedGen C2751666, MONDO:0013087, OMIM 613021.

Allele frequency attached by ClinVar (database versions not stated): gnomAD exomes 0.00005 and 0.00007; ExAC 0.00009; 1000 Genomes Project 30x 0.00016; gnomAD 0.00018; 1000 Genomes Project 0.00020; TOPMed 0.00020.
gnomAD v4.1: 105 of 1,614,180 alleles (0.0065%); highest among the groups gnomAD compares: African/African-American, 0.069%; 1 homozygote.

Submissions (6):

Dasa
Classification: Uncertain significance. Last evaluated: 2025-12-20. Review status: criteria provided, single submitter. Criteria: DASA Assertion Criteria. Collection method: clinical testing. Allele origin: germline.
Comment: NM_001038.6(SCNN1A):c.340G>A (p.Val114Ile) is a missense variant that results in the substitution of valine with isoleucine. This variant has been reported as a de novo occurrence in an affected individual (PMID: 19462466; PMID: 26772908; PMID: 22020151). Functional evidence supports an impact on the gene or gene product (PMID: 19462466; PMID: 26772908; PMID: 22020151). Also, this variant is rare in population databases. The currently available literature and clinical evidence are not sufficient to establish a definitive association between this variant and the reported condition. Therefore, this variant is classified as a variant of uncertain significance.

Blueprint Genetics
Classification: Uncertain significance. Last evaluated: 2024-08-09. Review status: criteria provided, single submitter. Criteria: ACMG Guidelines, 2015. Collection method: clinical testing. Allele origin: germline.

Genomic Medicine Center of Excellence, King Faisal Specialist Hospital and Research Centre
Classification: Uncertain significance for Bronchiectasis with or without elevated sweat chloride 2. Last evaluated: 2024-03-29. Review status: criteria provided, single submitter. Criteria: ACMG Guidelines, 2015. Collection method: clinical testing. Allele origin: germline.

GeneDx
Classification: Uncertain significance. Last evaluated: 2019-04-02. Review status: criteria provided, single submitter. Criteria: GeneDx Variant Classification Process June 2021. Collection method: clinical testing. Allele origin: germline. Affected: yes.
Comment: In silico analysis, which includes protein predictors and evolutionary conservation, supports that this variant does not alter protein structure/function; This variant is associated with the following publications: (PMID: 9654209, 19462466, 31589614)

OMIM
Classification: Pathogenic for BRONCHIECTASIS WITH OR WITHOUT ELEVATED SWEAT CHLORIDE 2. Last evaluated: 2009-07-01. Review status: no assertion criteria provided. Collection method: literature only. Allele origin: germline. Not counted in ClinVar's aggregate classification.

Clinical Laboratory Sciences Program (CLSP), King Saud bin Abdulaziz University for Health Sciences (KSAU-HS)
Classification: Uncertain significance for Bronchiectasis with or without elevated sweat chloride 2. Review status: no assertion criteria provided. Collection method: clinical testing. Allele origin: germline. Affected: yes. Not counted in ClinVar's aggregate classification.

Literature cited by the submitters: PubMed 19462466 (cited by Dasa); PubMed 26772908 (cited by Dasa); PubMed 22020151 (cited by Dasa); Mekus, F., Ballmann, M., Bronsveld, I., Dork, T., Bijman, J., Tummler, B., Veeze, H. J. Cystic-fibrosis-like disease unrelated to the cystic fibrosis transmembrane conductance regulator. Hum. Genet. 102: 582-586, 1998. (cited by OMIM); Azad, A. K., Rauh, R., Vermeulen, F., Jaspers, M., Korbmacher, J., Boissier, B., Bassinet, L., Fichou, Y., des Georges, M., Stanke, F., De Boeck, K., Dupont, L., and 17 others Mutations in the amiloride-sensitive epithelial sodium channel in patients with cystic fibrosis-like disease. Hum. Mutat. 30: 1093-1103, 2009. (cited by OMIM).

NM_001038.6(SCNN1A):c.340G>A (p.Val114Ile)

Gene: SCNN1A (sodium channel epithelial 1 subunit alpha; minus strand). Cytogenetic location: 12p13.31.
Variant type: single nucleotide variant.
Coding change: c.340G>A on transcript NM_001038.6 (MANE Select); coding-DNA position 340, G replaced by A.
Protein change: p.Val114Ile; replaces valine 114 with isoleucine.
Molecular consequence: missense variant.
Genome position (GRCh38, 1-based): chr12:6,374,444, C>T on the plus strand (G>A on the coding strand, the complement: SCNN1A is on the minus strand). VCF-style: chr12-6374444-C-T. GRCh37 (hg19) VCF-style: chr12-6483610-C-T.
Other names: c.517G>A (NM_001159576.1); c.409G>A, p.Val137Ile (NM_001159575.2); c.517G>A, p.Val173Ile (NM_001159576.2); short protein forms V114I, V137I, V173I.
Identifiers: ClinVar variation 9268 (VCV000009268.30), dbSNP rs61759861, ClinGen allele CA120273.
Genomic context (GRCh38, chr12:6,374,444, plus strand): 5'-TGCAGATGGTCACTGCGGGGAAGACGAGCTTGTCCGAGTTGAGGTTGATGTTGAGGCTGA[C>T]GGGGTAGCTGAAGTACTCTCCGAAAAGCAGGCCGAATTGCCAGTACATCATGCCAAAGGT-3'
Protein context (NP_001029.1, residues 104-124): LLFGEYFSYP[Val114Ile]SLNINLNSDK